The following is an entry in ClinVar:

ClinVar aggregate classification (germline): Pathogenic (1 of 4 stars; one submission).

Conditions:
Arrhythmogenic right ventricular dysplasia 9 (ARVD9). Also called: Arrhythmogenic Right Ventricular Dysplasia/Cardiomyopathy 9; ARRHYTHMOGENIC RIGHT VENTRICULAR DYSPLASIA, FAMILIAL, 9. Identifiers: MedGen C1836906, MONDO:0012180, OMIM 609040.

Submissions (2):

Labcorp Genetics (formerly Invitae), Labcorp
Classification: Pathogenic for Arrhythmogenic right ventricular dysplasia 9. Last evaluated: 2025-09-22. Review status: criteria provided, single submitter. Criteria: Invitae Variant Classification Sherloc (09022015). Collection method: clinical testing. Allele origin: germline.
Comment: This sequence change affects a donor splice site in intron 11 of the PKP2 gene. It is expected to disrupt RNA splicing. Variants that disrupt the donor or acceptor splice site typically lead to a loss of protein function (PMID: 16199547), and loss-of-function variants in PKP2 are known to be pathogenic (PMID: 15489853, 17041889, 23911551). This variant is not present in population databases (gnomAD no frequency). Disruption of this splice site has been observed in individuals with arrhythmogenic right ventricular cardiomyopathy (PMID: 36138163). ClinVar contains an entry for this variant (Variation ID: 3692621). Algorithms developed to predict the effect of sequence changes on RNA splicing suggest that this variant may disrupt the consensus splice site. For these reasons, this variant has been classified as Pathogenic.

Dr. Peter K. Rogan Lab, Western University
No classification provided (evidence only). Condition: Thyroid cancer, nonmedullary, 1. Review status: no classification provided. Collection method: in vitro. Allele origin: not applicable. Functional consequence: retained intron. Not counted in ClinVar's aggregate classification.

Literature cited by the submitters: PubMed 16199547 (cited by Labcorp Genetics (formerly Invitae), Labcorp); PubMed 15489853 (cited by Labcorp Genetics (formerly Invitae), Labcorp); PubMed 17041889 (cited by Labcorp Genetics (formerly Invitae), Labcorp); PubMed 23911551 (cited by Labcorp Genetics (formerly Invitae), Labcorp); PubMed 36138163 (cited by Labcorp Genetics (formerly Invitae), Labcorp).

NM_001005242.3(PKP2):c.2167+1G>C

Gene: PKP2 (plakophilin 2; minus strand). Cytogenetic location: 12p11.21.
Variant type: single nucleotide variant.
Coding change: c.2167+1G>C on transcript NM_001005242.3 (MANE Select); the canonical splice donor site of the intron after coding-DNA position 2167, G replaced by C.
Molecular consequence: splice donor variant.
Genome position (GRCh38, 1-based): chr12:32,802,402, C>G on the plus strand (G>C on the coding strand, the complement: PKP2 is on the minus strand). VCF-style: chr12-32802402-C-G. GRCh37 (hg19) VCF-style: chr12-32955336-C-G.
Other names: c.2002+1G>C (NM_001407156.1); c.2167+1G>C (NM_001407155.1); c.2299+1G>C (NM_004572.4); c.1840+1G>C (NM_001407160.1, NM_001407159.1, NM_001407158.1).
Identifiers: ClinVar variation 3692621 (VCV003692621.3).